The following is an entry in ClinVar:

NM_001035.3(RYR2):c.12106G>A (p.Asp4036Asn)

Gene: RYR2 (ryanodine receptor 2; plus strand). Cytogenetic location: 1q43.
Variant type: single nucleotide variant.
Coding change: c.12106G>A on transcript NM_001035.3 (MANE Select); coding-DNA position 12106, G replaced by A.
Protein change: p.Asp4036Asn; replaces aspartic acid 4036 with asparagine.
Molecular consequence: missense variant.
Genome position (GRCh38, 1-based): chr1:237,783,818, G>A. VCF-style: chr1-237783818-G-A. GRCh37 (hg19) VCF-style: chr1-237947118-G-A.
Other names: short protein forms D4036N.
Identifiers: ClinVar variation 927278 (VCV000927278.14), dbSNP rs748216455, ClinGen allele CA085127.

ClinVar aggregate classification (germline): Uncertain significance. Review status: criteria provided, multiple submitters, no conflicts (2 of 4 stars). 3 submissions from 3 submitters: Uncertain significance (3). Last evaluated 2025-04-06.

Conditions:
Catecholaminergic polymorphic ventricular tachycardia 1. Also called: VENTRICULAR TACHYCARDIA, CATECHOLAMINERGIC POLYMORPHIC, 1, WITH OR WITHOUT ATRIAL DYSFUNCTION AND/OR DILATED CARDIOMYOPATHY; VENTRICULAR TACHYCARDIA, STRESS-INDUCED POLYMORPHIC 1; RYR2-Related Catecholaminergic Polymorphic Ventricular Tachycardia. Identifiers: Orphanet 3286, MedGen C1631597, MONDO:0011484, OMIM 604772.
Catecholaminergic polymorphic ventricular tachycardia (CVPT). Also called: Catecholamine-induced polymorphic ventricular tachycardia. Identifiers: Orphanet 3286, MedGen C5574922, MONDO:0017990.
Cardiomyopathy (CMYO). Also called: Cardiomyopathies. Identifiers: Orphanet 167848, MedGen C0878544, MONDO:0004994, HP:0001638. Inheritance: Various modes of inheritance.

Allele frequency attached by ClinVar (database versions not stated): gnomAD below 0.00001 and 0.00001; TOPMed 0.00001; gnomAD exomes 0.00003 and 0.00006; ExAC 0.00009.
gnomAD v4.1: 43 of 1,613,654 alleles (0.0027%); highest among the groups gnomAD compares: South Asian, 0.045%; no homozygotes.

Submissions (3):

Color Diagnostics, LLC DBA Color Health
Classification: Uncertain significance for Cardiomyopathy. Last evaluated: 2025-04-06. Review status: criteria provided, single submitter. Criteria: ACMG Guidelines, 2015. Collection method: clinical testing. Allele origin: germline.
Comment: This missense variant replaces aspartic acid with asparagine at codon 4036 of the RYR2 protein. Computational prediction is inconclusive regarding the impact of this variant on protein structure and function (internally defined REVEL score threshold 0.5 < inconclusive < 0.7, PMID: 27666373). To our knowledge, functional studies have not been reported for this variant. This variant has not been reported in individuals affected with RYR2-related disorders in the literature. This variant has been identified in 15/248450 chromosomes in the general population by the Genome Aggregation Database (gnomAD). The available evidence is insufficient to determine the role of this variant in disease conclusively. Therefore, this variant is classified as a Variant of Uncertain Significance.

All of Us Research Program, National Institutes of Health
Classification: Uncertain significance for Catecholaminergic polymorphic ventricular tachycardia. Last evaluated: 2023-07-19. Review status: criteria provided, single submitter. Criteria: ACMG Guidelines, 2015. Collection method: clinical testing. Allele origin: germline. Inheritance: Autosomal dominant inheritance. Observed: 1 variant allele, 1 heterozygote.
Comment: This missense variant replaces aspartic acid with asparagine at codon 4036 of the RYR2 protein. Computational prediction is inconclusive regarding the impact of this variant on protein structure and function (internally defined REVEL score threshold 0.5 < inconclusive < 0.7, PMID: 27666373). To our knowledge, functional studies have not been reported for this variant. This variant has not been reported in individuals affected with RYR2-related disorders in the literature. This variant has been identified in 15/248450 chromosomes in the general population by the Genome Aggregation Database (gnomAD). The available evidence is insufficient to determine the role of this variant in disease conclusively. Therefore, this variant is classified as a Variant of Uncertain Significance.

This study involves interpretation of variants in research participants for the purpose of population health screening. Participant phenotype was not available at the time of variant classification. Additional details can be found in publication PMID: 35346344, PMCID: PMC8962531

Labcorp Genetics (formerly Invitae), Labcorp
Classification: Uncertain significance for Catecholaminergic polymorphic ventricular tachycardia 1. Last evaluated: 2022-06-27. Review status: criteria provided, single submitter. Criteria: Invitae Variant Classification Sherloc (09022015). Collection method: clinical testing. Allele origin: germline.
Comment: This variant has not been reported in the literature in individuals affected with RYR2-related conditions. This variant is present in population databases (rs748216455, gnomAD 0.05%). This sequence change replaces aspartic acid, which is acidic and polar, with asparagine, which is neutral and polar, at codon 4036 of the RYR2 protein (p.Asp4036Asn). ClinVar contains an entry for this variant (Variation ID: 927278). In summary, the available evidence is currently insufficient to determine the role of this variant in disease. Therefore, it has been classified as a Variant of Uncertain Significance. Advanced modeling of protein sequence and biophysical properties (such as structural, functional, and spatial information, amino acid conservation, physicochemical variation, residue mobility, and thermodynamic stability) performed at Invitae indicates that this missense variant is expected to disrupt RYR2 protein function.